The following is an entry in ClinVar:

ClinVar aggregate classification (germline): Uncertain significance. Review status: criteria provided, multiple submitters, no conflicts (2 of 4 stars). 3 submissions from 3 submitters: Uncertain significance (3). Last evaluated 2022-04-28.

Conditions:
Pyruvate dehydrogenase E1-beta deficiency (PDHBD). Identifiers: Orphanet 255138, Orphanet 765, MedGen C3279841, MONDO:0013580, OMIM 614111.
Inborn genetic diseases. Identifiers: MedGen C0950123, MeSH D030342.

Allele frequency attached by ClinVar (database versions not stated): ExAC 0.00002.
gnomAD v4.1: 45 of 1,607,188 alleles (0.0028%); highest among the groups gnomAD compares: South Asian, 0.0033%; no homozygotes.

Submissions (3):

Labcorp Genetics (formerly Invitae), Labcorp
Classification: Uncertain significance for Pyruvate dehydrogenase E1-beta deficiency. Last evaluated: 2022-04-28. Review status: criteria provided, single submitter. Criteria: Invitae Variant Classification Sherloc (09022015). Collection method: clinical testing. Allele origin: germline.
Comment: This sequence change replaces glutamic acid, which is acidic and polar, with glycine, which is neutral and non-polar, at codon 259 of the PDHB protein (p.Glu259Gly). This variant is present in population databases (rs767174898, gnomAD 0.006%). This variant has not been reported in the literature in individuals affected with PDHB-related conditions. Algorithms developed to predict the effect of missense changes on protein structure and function are either unavailable or do not agree on the potential impact of this missense change (SIFT: "Deleterious"; PolyPhen-2: "Benign"; Align-GVGD: "Class C0"). In summary, the available evidence is currently insufficient to determine the role of this variant in disease. Therefore, it has been classified as a Variant of Uncertain Significance.

Ambry Genetics
Classification: Uncertain significance for Inborn genetic diseases. Last evaluated: 2021-08-09. Review status: criteria provided, single submitter. Criteria: Ambry Variant Classification Scheme 2023. Collection method: clinical testing. Allele origin: germline.

Breakthrough Genomics
Classification: Uncertain significance. Review status: criteria provided, single submitter. Criteria: ACMG Guidelines, 2015. Collection method: not provided. Allele origin: germline. Inheritance: Autosomal recessive inheritance. Affected: yes.

NM_000925.4(PDHB):c.776A>G (p.Glu259Gly)

Gene: PDHB (pyruvate dehydrogenase E1 subunit beta; minus strand). Cytogenetic location: 3p14.3.
Variant type: single nucleotide variant.
Coding change: c.776A>G on transcript NM_000925.4 (MANE Select); coding-DNA position 776, A replaced by G.
Protein change: p.Glu259Gly; replaces glutamic acid 259 with glycine.
Molecular consequence: missense variant. On other transcripts: non-coding transcript variant (1).
Genome position (GRCh38, 1-based): chr3:58,429,724, T>C on the plus strand (A>G on the coding strand, the complement: PDHB is on the minus strand). VCF-style: chr3-58429724-T-C. GRCh37 (hg19) VCF-style: chr3-58415451-T-C.
Other names: c.722A>G, p.Glu241Gly (NM_001173468.2, NM_001315536.2); c.776A>G (NM_000925.3); short protein forms E259G, E241G.
Identifiers: ClinVar variation 2151936 (VCV002151936.3), dbSNP rs767174898, ClinGen allele CA2471468.
Genomic context (GRCh38, chr3:58,429,724, plus strand): 5'-AGGAGCCCTTCTAATTCTTTAAGAACAAGTAAATGTCCACTCACCTCACATTCAACTCCT[T>C]CTTTAGATAGCACTGCTGCAGCTTCTAAGCAGTGGCCCACAGGTCTTGAATGGGAAACCA-3'
Protein context (NP_000916.2, residues 249-269): CLEAAAVLSK[Glu259Gly]GVECEVINMR